The following is an entry in ClinVar:

ClinVar aggregate classification (germline): Pathogenic (1 of 4 stars; one submission).

Submission:

Clinical Genomics Laboratory, Laboratory for Precision Diagnostics, University of Washington
Classification: Pathogenic. Last evaluated: 2018-07-20. Review status: criteria provided, single submitter. Criteria: Clinical Cytogenomics Laboratory Policy on CNV Interpretation. Collection method: clinical testing. Allele origin: unknown. Affected: yes. Observed: 1 variant allele.

Literature cited by the submitters: PubMed 17394213.

GRCh37/hg19 12q24.33(chr12:131363916-133777645)x3

Genes: PXMP2 (peroxisomal membrane protein 2; plus strand), SFSWAP (splicing factor SWAP; plus strand), ULK1 (unc-51 like autophagy activating kinase 1; plus strand), ZNF10 (zinc finger protein 10; plus strand), ZNF891 (zinc finger protein 891; minus strand) and 20 more. Cytogenetic location: 12q24.33.
Variant type: copy number gain.
Change: copy number 3 (three copies instead of two) of chr12:131,363,916-133,777,645 (2.41 Mb, GRCh37 coordinates, 1-based), cytogenetic band 12q24.33.
Identifiers: ClinVar variation 638102 (VCV000638102.2).